The following is an entry in ClinVar:

ClinVar aggregate classification (germline): Uncertain significance (1 of 4 stars; one submission).

Submission:

GeneDx
Classification: Uncertain significance. Last evaluated: 2023-06-26. Review status: criteria provided, single submitter. Criteria: GeneDx Variant Classification Process June 2021. Collection method: clinical testing. Allele origin: germline. Affected: yes.
Comment: Not observed at significant frequency in large population cohorts (gnomAD); In-frame duplication of 7 amino acids in a non-repeat region; Has not been previously published as pathogenic or benign to our knowledge

NM_001322934.2(NFKB2):c.1427_1447dup (p.Thr482_Ala483insGlyGlnArgHisLeuLeuThr)

Gene: NFKB2 (nuclear factor kappa B subunit 2; plus strand). Cytogenetic location: 10q24.32.
Variant type: Duplication.
Coding change: c.1427_1447dup on transcript NM_001322934.2 (MANE Select); coding-DNA positions 1427 to 1447, 21 bases duplicated (GACAGCGCCACCTGCTGACGG).
Protein change: p.Thr482_Ala483insGlyGlnArgHisLeuLeuThr.
Genome position (GRCh38, 1-based): chr10:102,399,676-102,399,696, GACAGCGCCACCTGCTGACGG duplicated; duplicating any 21 consecutive bases within chr10:102,399,673-102,399,696 gives the same sequence; the c. name uses the placement nearest the transcript's 3' end. VCF-style (leftmost placement, unchanged base first): chr10-102399672-G-GCGGGACAGCGCCACCTGCTGA. GRCh37 (hg19) VCF-style: chr10-104159429-G-GCGGGACAGCGCCACCTGCTGA.
Other names: c.1427_1447dup, p.Thr482_Ala483insGlyGlnArgHisLeuLeuThr (NM_001077494.3, NM_001261403.3, NM_001288724.1 and 1 more transcripts); c.1301_1321dup, p.Thr440_Ala441insGlyGlnArgHisLeuLeuThr (NM_001322935.1).
Identifiers: ClinVar variation 3360296 (VCV003360296.1).
Genomic context (GRCh38, chr10:102,399,672, plus strand): 5'-CAGCGCAGCGCCCGAGCCCTACTCGACTACGGCGTCACCGCGGACGCGCGCGCGCTGCTG[G>GCGGGACAGCGCCACCTGCTGA]CGGGACAGCGCCACCTGCTGACGGCGCAGGACGAGAACGGAGACACGTAGGCAACAGAGG-3'